The following is an entry in ClinVar:

ClinVar aggregate classification (germline): Uncertain significance (1 of 4 stars; one submission).

Allele frequency attached by ClinVar (database versions not stated): gnomAD exomes 0.00002; ExAC 0.00003; gnomAD 0.00003.
gnomAD v4.1: 41 of 1,613,614 alleles (0.0025%); highest among the groups gnomAD compares: Admixed American, 0.0067%; no homozygotes.

Submission:

Labcorp Genetics (formerly Invitae), Labcorp
Classification: Uncertain significance. Last evaluated: 2022-07-10. Review status: criteria provided, single submitter. Criteria: Invitae Variant Classification Sherloc (09022015). Collection method: clinical testing. Allele origin: germline.
Comment: In summary, the available evidence is currently insufficient to determine the role of this variant in disease. Therefore, it has been classified as a Variant of Uncertain Significance. Algorithms developed to predict the effect of missense changes on protein structure and function are either unavailable or do not agree on the potential impact of this missense change (SIFT: "Deleterious"; PolyPhen-2: "Possibly Damaging"; Align-GVGD: "Class C0"). This variant has not been reported in the literature in individuals affected with ANXA11-related conditions. This variant is present in population databases (rs142001721, gnomAD 0.01%). This sequence change replaces arginine, which is basic and polar, with glutamine, which is neutral and polar, at codon 452 of the ANXA11 protein (p.Arg452Gln).

NM_145868.2(ANXA11):c.1355G>A (p.Arg452Gln)

Gene: ANXA11 (annexin A11; minus strand). Cytogenetic location: 10q22.3.
Variant type: single nucleotide variant.
Coding change: c.1355G>A on transcript NM_145868.2 (MANE Select); coding-DNA position 1355, G replaced by A.
Protein change: p.Arg452Gln; replaces arginine 452 with glutamine.
Molecular consequence: missense variant.
Genome position (GRCh38, 1-based): chr10:80,157,744, C>T on the plus strand (G>A on the coding strand, the complement: ANXA11 is on the minus strand). VCF-style: chr10-80157744-C-T. GRCh37 (hg19) VCF-style: chr10-81917500-C-T.
Other names: c.1355G>A, p.Arg452Gln (NM_001157.3, NM_001278407.2, NM_001278408.2 and 1 more transcripts); c.1256G>A, p.Arg419Gln (NM_001278409.2); short protein forms R419Q, R452Q.
Identifiers: ClinVar variation 1933735 (VCV001933735.5), dbSNP rs142001721, ClinGen allele CA5575785.
Genomic context (GRCh38, chr10:80,157,744, plus strand): 5'-TCTGATCTGATGTCCAGGAGGTCGGTCTCGCTGCGAGACACCATGATGCGAATCAGGGTC[C>T]GGTCCTTTGTTCCTGCCCCCTAAAGAGAGTCCACCCAAGAGCATGAGCACCAGGCCTCCT-3'
Protein context (NP_665875.1, residues 442-462): KAMRGAGTKD[Arg452Gln]TLIRIMVSRS